The following is an entry in ClinVar:

NM_016032.4(ZDHHC9):c.23A>G (p.Lys8Arg)

Gene: ZDHHC9 (zDHHC palmitoyltransferase 9; minus strand). Cytogenetic location: Xq26.1.
Variant type: single nucleotide variant.
Coding change: c.23A>G on transcript NM_016032.4 (MANE Select); coding-DNA position 23, A replaced by G.
Protein change: p.Lys8Arg; replaces lysine 8 with arginine.
Molecular consequence: missense variant.
Genome position (GRCh38, 1-based): chrX:129,841,923, T>C on the plus strand (A>G on the coding strand, the complement: ZDHHC9 is on the minus strand). VCF-style: chrX-129841923-T-C. GRCh37 (hg19) VCF-style: chrX-128975899-T-C.
Other names: c.23A>G, p.Lys8Arg (NM_001008222.3); short protein forms K8R.
Identifiers: ClinVar variation 2802698 (VCV002802698.3), dbSNP rs1297887698, ClinGen allele CA414627554.

ClinVar aggregate classification (germline): Uncertain significance (1 of 4 stars; one submission).

Conditions:
Intellectual developmental disorder, X-linked, syndromic, Raymond type. Also called: Syndromic X-linked intellectual disability Raymond type. Identifiers: MedGen C3275406, MONDO:0010427, OMIM 300799.

Submission:

Labcorp Genetics (formerly Invitae), Labcorp
Classification: Uncertain significance for Intellectual developmental disorder, X-linked, syndromic, Raymond type. Last evaluated: 2023-12-11. Review status: criteria provided, single submitter. Criteria: Invitae Variant Classification Sherloc (09022015). Collection method: clinical testing. Allele origin: germline.
Comment: This sequence change replaces lysine, which is basic and polar, with arginine, which is basic and polar, at codon 8 of the ZDHHC9 protein (p.Lys8Arg). This variant is present in population databases (no rsID available, gnomAD 0.005%). This variant has not been reported in the literature in individuals affected with ZDHHC9-related conditions. An algorithm developed to predict the effect of missense changes on protein structure and function (PolyPhen-2) suggests that this variant is likely to be tolerated. In summary, the available evidence is currently insufficient to determine the role of this variant in disease. Therefore, it has been classified as a Variant of Uncertain Significance.